The following is an entry in ClinVar:

NM_000388.4(CASR):c.3175T>C (p.Ser1059Pro)

Gene: CASR (calcium sensing receptor; plus strand). Cytogenetic location: 3q21.1.
Variant type: single nucleotide variant.
Coding change: c.3175T>C on transcript NM_000388.4 (MANE Select); coding-DNA position 3175, T replaced by C.
Protein change: p.Ser1059Pro; replaces serine 1059 with proline.
Molecular consequence: missense variant.
Genome position (GRCh38, 1-based): chr3:122,285,129, T>C. VCF-style: chr3-122285129-T-C. GRCh37 (hg19) VCF-style: chr3-122003976-T-C.
Other names: c.3205T>C, p.Ser1069Pro (NM_001178065.2); short protein forms S1059P, S1069P.
Identifiers: ClinVar variation 3231574 (VCV003231574.2), dbSNP rs2473284112, ClinGen allele CA354161699.

ClinVar aggregate classification (germline): Uncertain significance. Review status: criteria provided, multiple submitters, no conflicts (2 of 4 stars). 2 submissions from 2 submitters: Uncertain significance (2). Last evaluated 2024-01-14.

Conditions:
Nephrolithiasis/nephrocalcinosis. Identifiers: MedGen CN580796.
Familial hypocalciuric hypercalcemia 1. Also called: Hypercalcemia, familial benign type 1. Identifiers: Orphanet 405, Orphanet 93372, MedGen C0342637, MONDO:0007791, OMIM 145980.
Epilepsy, idiopathic generalized, susceptibility to, 8. Identifiers: MedGen C2752062, MONDO:0013032, OMIM 612899.
Autosomal dominant hypocalcemia 1 (HYPOC1). Also called: HYPOCALCEMIA, FAMILIAL. Identifiers: MedGen C3715128, MONDO:0011013, OMIM 601198.
Neonatal severe primary hyperparathyroidism. Identifiers: Orphanet 417, MedGen C1832615, MONDO:0009397, OMIM 239200.

Submissions (2):

Fulgent Genetics
Classification: Uncertain significance for Familial hypocalciuric hypercalcemia 1; Neonatal severe primary hyperparathyroidism; Autosomal dominant hypocalcemia 1; Epilepsy, idiopathic generalized, susceptibility to, 8. Last evaluated: 2024-01-14. Review status: criteria provided, single submitter. Criteria: ACMG Guidelines, 2015. Collection method: clinical testing. Allele origin: germline.

Ambry Genetics
Classification: Uncertain significance for Nephrolithiasis/nephrocalcinosis. Last evaluated: 2023-12-10. Review status: criteria provided, single submitter. Criteria: Ambry Variant Classification Scheme 2023. Collection method: clinical testing. Allele origin: germline.
Comment: The p.S1059P variant (also known as c.3175T>C), located in coding exon 6 of the CASR gene, results from a T to C substitution at nucleotide position 3175. The serine at codon 1059 is replaced by proline, an amino acid with similar properties. This amino acid position is conserved. In addition, the in silico prediction for this alteration is inconclusive. Since supporting evidence is limited at this time, the clinical significance of this alteration remains unclear.